The following is an entry in ClinVar:

ClinVar aggregate classification (germline): Uncertain significance. Review status: criteria provided, multiple submitters, no conflicts (2 of 4 stars). 2 submissions from 2 submitters: Uncertain significance (2). Last evaluated 2026-05-15.

Conditions:
Inborn genetic diseases. Identifiers: MedGen C0950123, MeSH D030342.

gnomAD v4.1: 4 of 1,573,888 alleles (0.00025%); highest among the groups gnomAD compares: Non-Finnish European, 0.00034%; no homozygotes.

Submissions (2):

Ambry Genetics
Classification: Uncertain significance for Inborn genetic diseases. Last evaluated: 2026-05-15. Review status: criteria provided, single submitter. Criteria: Ambry Variant Classification Scheme 2023. Collection method: clinical testing. Allele origin: germline.

Labcorp Genetics (formerly Invitae), Labcorp
Classification: Uncertain significance. Last evaluated: 2024-08-31. Review status: criteria provided, single submitter. Criteria: Invitae Variant Classification Sherloc (09022015). Collection method: clinical testing. Allele origin: germline.
Comment: This sequence change replaces leucine, which is neutral and non-polar, with arginine, which is basic and polar, at codon 392 of the MYO7A protein (p.Leu392Arg). This variant is present in population databases (no rsID available, gnomAD 0.003%). This missense change has been observed in individual(s) with deafness (internal data). In at least one individual the data is consistent with being in trans (on the opposite chromosome) from a pathogenic variant. Invitae Evidence Modeling of protein sequence and biophysical properties (such as structural, functional, and spatial information, amino acid conservation, physicochemical variation, residue mobility, and thermodynamic stability) indicates that this missense variant is not expected to disrupt MYO7A protein function with a negative predictive value of 95%. In summary, the available evidence is currently insufficient to determine the role of this variant in disease. Therefore, it has been classified as a Variant of Uncertain Significance.

NM_000260.4(MYO7A):c.1175T>G (p.Leu392Arg)

Gene: MYO7A (myosin VIIA; plus strand). Cytogenetic location: 11q13.5.
Variant type: single nucleotide variant.
Coding change: c.1175T>G on transcript NM_000260.4 (MANE Select); coding-DNA position 1175, T replaced by G.
Protein change: p.Leu392Arg; replaces leucine 392 with arginine.
Molecular consequence: missense variant.
Genome position (GRCh38, 1-based): chr11:77,160,257, T>G. VCF-style: chr11-77160257-T-G. GRCh37 (hg19) VCF-style: chr11-76871303-T-G.
Other names: c.1175T>G (NM_000260.3); c.1175T>G, p.Leu392Arg (NM_001127180.2); c.1142T>G, p.Leu381Arg (NM_001369365.1); short protein forms L392R, L381R.
Identifiers: ClinVar variation 3686012 (VCV003686012.3).
Genomic context (GRCh38, chr11:77,160,257, plus strand): 5'-GCCGCACCCTCATCACCCGCGGGGAGACGGTGTCCACCCCACTGAGCAGGGAACAGGCAC[T>G]GGACGTGCGCGACGCCTTCGTAAAGGTGGGCTGGAGGGAAGGGGCCGCTTGCTCGCCCTA-3'
Protein context (NP_000251.3, residues 382-402): VSTPLSREQA[Leu392Arg]DVRDAFVKGI